The following is an entry in ClinVar:

ClinVar aggregate classification (germline): Uncertain significance (1 of 4 stars; one submission).

Submission:

Labcorp Genetics (formerly Invitae), Labcorp
Classification: Uncertain significance. Last evaluated: 2024-04-10. Review status: criteria provided, single submitter. Criteria: Invitae Variant Classification Sherloc (09022015). Collection method: clinical testing. Allele origin: germline.
Comment: This sequence change replaces threonine, which is neutral and polar, with lysine, which is basic and polar, at codon 489 of the POLE2 protein (p.Thr489Lys). This variant is not present in population databases (gnomAD no frequency). This variant has not been reported in the literature in individuals affected with POLE2-related conditions. An algorithm developed to predict the effect of missense changes on protein structure and function (PolyPhen-2) suggests that this variant is likely to be tolerated. In summary, the available evidence is currently insufficient to determine the role of this variant in disease. Therefore, it has been classified as a Variant of Uncertain Significance.

NM_002692.4(POLE2):c.1466C>A (p.Thr489Lys)

Gene: POLE2 (DNA polymerase epsilon 2, accessory subunit; minus strand). Cytogenetic location: 14q21.3.
Variant type: single nucleotide variant.
Coding change: c.1466C>A on transcript NM_002692.4 (MANE Select); coding-DNA position 1466, C replaced by A.
Protein change: p.Thr489Lys; replaces threonine 489 with lysine.
Molecular consequence: missense variant.
Genome position (GRCh38, 1-based): chr14:49,650,296, G>T on the plus strand (C>A on the coding strand, the complement: POLE2 is on the minus strand). VCF-style: chr14-49650296-G-T. GRCh37 (hg19) VCF-style: chr14-50117014-G-T.
Other names: c.1388C>A, p.Thr463Lys (NM_001197330.2); c.1466C>A, p.Thr489Lys (NM_001197331.3); c.1463C>A, p.Thr488Lys (NM_001348384.2); c.1235C>A, p.Thr412Lys (NM_001348385.2); short protein forms T489K, T412K, T463K, T488K.
Identifiers: ClinVar variation 3710370 (VCV003710370.2).
Genomic context (GRCh38, chr14:49,650,296, plus strand): 5'-TGACTATATAAGATTAACTACATTCTTACAGGGTTTATGCAGAGGCATTCGGTATTTGTC[G>T]TAGTGAAAGGATCATATTTGTCTGCAATGACAAGTAGATCGGGCACAGGATACACTCTCA-3'
Protein context (NP_002683.2, residues 479-499): VIADKYDPFT[Thr489Lys]TNTECLCINP